The following is an entry in ClinVar:

NM_017837.4(PIGV):c.88A>G (p.Asn30Asp)

Gene: PIGV (phosphatidylinositol glycan anchor biosynthesis class V; plus strand). Cytogenetic location: 1p36.11.
Variant type: single nucleotide variant.
Coding change: c.88A>G on transcript NM_017837.4 (MANE Select); coding-DNA position 88, A replaced by G.
Protein change: p.Asn30Asp; replaces asparagine 30 with aspartic acid.
Molecular consequence: missense variant. On other transcripts: 5 prime UTR variant (1), non-coding transcript variant (2), intron variant (1).
Genome position (GRCh38, 1-based): chr1:26,794,122, A>G. VCF-style: chr1-26794122-A-G. GRCh37 (hg19) VCF-style: chr1-27120613-A-G.
Other names: c.88A>G, p.Asn30Asp (NM_001202554.2, NM_001374478.1, NM_001374480.1 and 4 more transcripts); c.-294A>G (NM_001374483.1); c.78+3229A>G (NM_001374486.1); short protein forms N30D.
Identifiers: ClinVar variation 1468655 (VCV001468655.4), dbSNP rs2081347319, ClinGen allele CA339198311.

ClinVar aggregate classification (germline): Uncertain significance (1 of 4 stars; one submission).

Allele frequency attached by ClinVar (database versions not stated): gnomAD exomes below 0.00001; TOPMed 0.00001.
gnomAD v4.1: 2 of 1,614,178 alleles (0.00012%); highest among the groups gnomAD compares: Non-Finnish European, 0.00017%; no homozygotes.

Submission:

Labcorp Genetics (formerly Invitae), Labcorp
Classification: Uncertain significance. Last evaluated: 2022-05-30. Review status: criteria provided, single submitter. Criteria: Invitae Variant Classification Sherloc (09022015). Collection method: clinical testing. Allele origin: germline.
Comment: This sequence change replaces asparagine, which is neutral and polar, with aspartic acid, which is acidic and polar, at codon 30 of the PIGV protein (p.Asn30Asp). This variant is not present in population databases (gnomAD no frequency). This variant has not been reported in the literature in individuals affected with PIGV-related conditions. ClinVar contains an entry for this variant (Variation ID: 1468655). Algorithms developed to predict the effect of missense changes on protein structure and function (SIFT, PolyPhen-2, Align-GVGD) all suggest that this variant is likely to be tolerated. In summary, the available evidence is currently insufficient to determine the role of this variant in disease. Therefore, it has been classified as a Variant of Uncertain Significance.